The following is an entry in ClinVar:

ClinVar aggregate classification (germline): Conflicting classifications of pathogenicity. Review status: criteria provided, conflicting classifications (1 of 4 stars). 8 submissions from 6 submitters: Uncertain significance (2); Benign (1); Likely benign (5). Last evaluated 2026-01-15.

Conditions:
Retinitis pigmentosa 12 (RP12). Also called: RP WITH OR WITHOUT PRESERVED PARAARTERIOLE RETINAL PIGMENT EPITHELIUM; RETINITIS PIGMENTOSA WITH OR WITHOUT PARAARTERIOLAR PRESERVATION OF RETINAL PIGMENT EPITHELIUM; RP WITH OR WITHOUT PPRPE. Identifiers: Orphanet 791, MedGen C1838647, MONDO:0010818, OMIM 600105.
Leber congenital amaurosis 8 (LCA8). Identifiers: Orphanet 65, MedGen C3151202, MONDO:0013453, OMIM 613835.
Retinitis pigmentosa (RP). Identifiers: Orphanet 791, MedGen C0035334, MeSH D012174, MONDO:0019200, OMIM 268000. Inheritance: Autosomal dominant, autosomal recessive and X linked inheritance.
Pigmented paravenous retinochoroidal atrophy. Identifiers: Orphanet 251295, MedGen C1868310, MONDO:0008246, OMIM 172870.

Allele frequency attached by ClinVar (database versions not stated): 1000 Genomes Project 30x 0.00016; 1000 Genomes Project 0.00020; gnomAD 0.00025; TOPMed 0.00033; ESP Exome Variant Server 0.00046.
gnomAD v4.1: 444 of 1,613,820 alleles (0.028%); highest among the groups gnomAD compares: Middle Eastern, 0.05%; 4 homozygotes.

Submissions (8):

Labcorp Genetics (formerly Invitae), Labcorp
Classification: Likely benign for Leber congenital amaurosis 8; Retinitis pigmentosa 12. Last evaluated: 2026-01-15. Review status: criteria provided, single submitter. Criteria: Invitae Variant Classification Sherloc (09022015). Collection method: clinical testing. Allele origin: germline.

CeGaT Center for Human Genetics Tuebingen
Classification: Likely benign. Last evaluated: 2026-01-01. Review status: criteria provided, single submitter. Criteria: CeGaT Center For Human Genetics Tuebingen Variant Classification Criteria Version 2. Collection method: clinical testing. Allele origin: germline. Affected: yes. Observed: 3 variant alleles.
Comment: CRB1: BP4, BP7

Blueprint Genetics
Classification: Likely benign. Last evaluated: 2024-11-11. Review status: criteria provided, single submitter. Criteria: ACMG Guidelines, 2015. Collection method: clinical testing. Allele origin: germline.

Genome-Nilou Lab
Classification: Likely benign for Leber congenital amaurosis 8. Last evaluated: 2021-05-18. Review status: criteria provided, single submitter. Criteria: ACMG Guidelines, 2015. Collection method: clinical testing. Allele origin: germline. Affected: no.

Illumina Laboratory Services, Illumina
Classification: Uncertain significance for Leber congenital amaurosis 8. Last evaluated: 2018-01-12. Review status: criteria provided, single submitter. Criteria: ICSL Variant Classification Criteria 13 December 2019. Collection method: clinical testing. Allele origin: germline.

Illumina Laboratory Services, Illumina
Classification: Benign for Pigmented paravenous retinochoroidal atrophy. Last evaluated: 2018-01-12. Review status: criteria provided, single submitter. Criteria: ICSL Variant Classification Criteria 13 December 2019. Collection method: clinical testing. Allele origin: germline.
Comment: This variant was observed in the ICSL laboratory as part of a predisposition screen in an ostensibly healthy population. It had not been previously curated by ICSL or reported in the Human Gene Mutation Database (HGMD: prior to June 1st, 2018), and was therefore a candidate for classification through an automated scoring system. Utilizing variant allele frequency, disease prevalence and penetrance estimates, and inheritance mode, an automated score was calculated to assess if this variant is too frequent to cause the disease. Based on the score and internal cut-off values, a variant classified as benign is not then subjected to further curation. The score for this variant resulted in a classification of benign for this disease.

Illumina Laboratory Services, Illumina
Classification: Uncertain significance for Retinitis pigmentosa. Last evaluated: 2018-01-12. Review status: criteria provided, single submitter. Criteria: ICSL Variant Classification Criteria 13 December 2019. Collection method: clinical testing. Allele origin: germline.

GeneDx
Classification: Likely benign. Last evaluated: 2016-04-06. Review status: criteria provided, single submitter. Criteria: GeneDx Variant Classification (06012015). Collection method: clinical testing. Allele origin: germline. Affected: yes.
Comment: This variant is considered likely benign or benign based on one or more of the following criteria: it is a conservative change, it occurs at a poorly conserved position in the protein, it is predicted to be benign by multiple in silico algorithms, and/or has population frequency not consistent with disease.

NM_201253.3(CRB1):c.2230C>A (p.Arg744=)

Gene: CRB1 (crumbs cell polarity complex component 1; plus strand). Cytogenetic location: 1q31.3.
Variant type: single nucleotide variant.
Coding change: c.2230C>A on transcript NM_201253.3 (MANE Select); coding-DNA position 2230, C replaced by A.
Protein change: p.Arg744=; no amino-acid change (arginine 744 retained).
Molecular consequence: synonymous variant. On other transcripts: non-coding transcript variant (2), intron variant (1).
Genome position (GRCh38, 1-based): chr1:197,427,555, C>A. VCF-style: chr1-197427555-C-A. GRCh37 (hg19) VCF-style: chr1-197396685-C-A.
Other names: c.1894C>A, p.Arg632= (NM_001193640.2); c.2023C>A, p.Arg675= (NM_001257965.2); c.2128+5599C>A (NM_001257966.2).
Identifiers: ClinVar variation 294676 (VCV000294676.51), dbSNP rs150412614, ClinGen allele CA1312078.